The following is an entry in ClinVar:

ClinVar aggregate classification (germline): Conflicting classifications of pathogenicity. Review status: criteria provided, conflicting classifications (1 of 4 stars). 3 submissions from 3 submitters: Uncertain significance (2); Likely benign (1). Last evaluated 2025-10-09.

Conditions:
Hereditary cancer-predisposing syndrome. Also called: Neoplastic Syndromes, Hereditary; Tumor predisposition; Hereditary Cancer Syndrome; Hereditary neoplastic syndrome. Identifiers: Orphanet 140162, MedGen C0027672, MeSH D009386, MONDO:0015356.
Hereditary breast ovarian cancer syndrome. Also called: Hereditary breast and ovarian cancer; Hereditary breast and/or ovarian cancer syndrome; BRCA1- and BRCA2-Associated Hereditary Breast and Ovarian Cancer; Hereditary breast and ovarian cancer syndrome (HBOC); Hereditary breast and ovarian cancer syndrome; Breast and ovarian cancer. Identifiers: Orphanet 145, MedGen C0677776, MeSH D061325, MONDO:0003582. Disease mechanism: loss of function.

Allele frequency attached by ClinVar (database versions not stated): gnomAD exomes below 0.00001.
gnomAD v4.1: 1 of 1,614,218 alleles (0.000062%); highest among the groups gnomAD compares: South Asian, 0.0011%; no homozygotes.

Submissions (3):

Labcorp Genetics (formerly Invitae), Labcorp
Classification: Uncertain significance for Hereditary breast ovarian cancer syndrome. Last evaluated: 2025-10-09. Review status: criteria provided, single submitter. Criteria: Invitae Variant Classification Sherloc (09022015). Collection method: clinical testing. Allele origin: germline.
Comment: This sequence change replaces aspartic acid, which is acidic and polar, with glutamic acid, which is acidic and polar, at codon 1269 of the BRCA1 protein (p.Asp1269Glu). This variant is not present in population databases (gnomAD no frequency). This variant has not been reported in the literature in individuals affected with BRCA1-related conditions. ClinVar contains an entry for this variant (Variation ID: 186925). Invitae Evidence Modeling of protein sequence and biophysical properties (such as structural, functional, and spatial information, amino acid conservation, physicochemical variation, residue mobility, and thermodynamic stability) indicates that this missense variant is not expected to disrupt BRCA1 protein function with a negative predictive value of 80%. In summary, the available evidence is currently insufficient to determine the role of this variant in disease. Therefore, it has been classified as a Variant of Uncertain Significance.

Ambry Genetics
Classification: Uncertain significance for Hereditary cancer-predisposing syndrome. Last evaluated: 2023-10-01. Review status: criteria provided, single submitter. Criteria: Ambry Variant Classification Scheme 2023. Collection method: clinical testing. Allele origin: germline.
Comment: The p.D1269E variant (also known as c.3807C>G), located in coding exon 9 of the BRCA1 gene, results from a C to G substitution at nucleotide position 3807. The aspartic acid at codon 1269 is replaced by glutamic acid, an amino acid with highly similar properties. This amino acid position is not well conserved in available vertebrate species. In addition, the in silico prediction for this alteration is inconclusive. Since supporting evidence is limited at this time, the clinical significance of this alteration remains unclear.

University of Washington Department of Laboratory Medicine, University of Washington
Classification: Likely benign for Hereditary cancer-predisposing syndrome. Last evaluated: 2023-03-23. Review status: criteria provided, single submitter. Criteria: Dines et al. (Genet Med. 2020). Collection method: curation. Allele origin: germline.
Comment: Missense variant in a coldspot region where missense variants are very unlikely to be pathogenic (PMID:31911673).

BRCA1 coldspot (exon 11 using historical exon numbering). Reclassification based on statistical prior probability

NM_007294.4(BRCA1):c.3807C>G (p.Asp1269Glu)

Genes: BRCA1 (BRCA1 DNA repair associated; minus strand), LOC126862571 (BRD4-independent group 4 enhancer GRCh37_chr17:41243136-41244335; plus strand). Cytogenetic location: 17q21.31.
Variant type: single nucleotide variant.
Coding change: c.3807C>G on transcript NM_007294.4 (MANE Select); coding-DNA position 3807, C replaced by G.
Protein change: p.Asp1269Glu; replaces aspartic acid 1269 with glutamic acid.
Molecular consequence: missense variant. On other transcripts: intron variant (135).
Genome position (GRCh38, 1-based): chr17:43,091,724, G>C on the plus strand (C>G on the coding strand, the complement: BRCA1 is on the minus strand). VCF-style: chr17-43091724-G-C. GRCh37 (hg19) VCF-style: chr17-41243741-G-C.
Other names: c.3684C>G, p.Asp1228Glu (NM_001407683.1, NM_001407648.1, NM_001407863.1 and 19 more transcripts); c.3807C>G, p.Asp1269Glu (NM_001407684.1, NM_001407581.1, NM_001407582.1 and 30 more transcripts); c.3681C>G, p.Asp1227Glu (NM_001407685.1, NM_001407686.1, NM_001407687.1 and 11 more transcripts); c.3594C>G, p.Asp1198Glu (NM_001407571.1, NM_001407853.1, NM_001407894.1 and 9 more transcripts); c.3804C>G, p.Asp1268Glu (NM_001407587.1, NM_001407590.1, NM_001407591.1 and 22 more transcripts); c.3666C>G, p.Asp1222Glu (NM_001407692.1, NM_001407694.1, NM_001407695.1 and 29 more transcripts); c.3663C>G, p.Asp1221Glu (NM_001407740.1, NM_001407741.1, NM_001407742.1 and 20 more transcripts); c.3798C>G, p.Asp1266Glu (NM_001407646.1, NM_001407647.1); and 41 more; short protein forms D1269E, D1222E, D1142E, D1180E, D1181E, D1201E, D1243E, D973E.
Identifiers: ClinVar variation 186925 (VCV000186925.10), dbSNP rs786202569, ClinGen allele CA002453.